The following is an entry in ClinVar:

ClinVar aggregate classification (germline): Likely pathogenic (1 of 4 stars; one submission).

Conditions:
IMAGe syndrome. Also called: Intrauterine Growth Restriction, Metaphyseal Dysplasia, Adrenal Hypoplasia Congenita, and Genital Anomalies; Intrauterine growth retardation, metaphyseal dysplasia, adrenal hypoplasia congenita, and genital anomalies. Identifiers: Orphanet 85173, MedGen C1846009, MONDO:0013873, OMIM 614732.

Submission:

Illumina Laboratory Services, Illumina
Classification: Likely pathogenic for IMAGe syndrome. Last evaluated: 2020-05-14. Review status: criteria provided, single submitter. Criteria: ICSLVariantClassificationCriteria RUGD 01 April 2020. Collection method: clinical testing. Allele origin: unknown.
Comment: The CDKN1C c.820+2T>A variant occurs in a canonical splice site (donor) and is therefore predicted to disrupt or distort the normal gene product. A literature search was performed for the gene and cDNA change. No publications were found based on this search. This variant is not found in the Genome Aggregation Database. This variant occurs adjacent to the PCNA binding domain in which missense variants have been implicated in disease (Eggermann et al. 2014). Based on the potential impact of this splice donor variant, its rarity and application of the ACMG criteria, the c.820+2T>A variant is classified as likely pathogenic for IMAGE syndrome.

Literature cited by the submitters: PubMed 25262539.

NM_001122630.2(CDKN1C):c.787+2T>A

Gene: CDKN1C (cyclin dependent kinase inhibitor 1C; minus strand). Cytogenetic location: 11p15.4.
Variant type: single nucleotide variant.
Coding change: c.787+2T>A on transcript NM_001122630.2 (MANE Select); the canonical splice donor site of the intron after coding-DNA position 787, T replaced by A.
Molecular consequence: splice donor variant. On other transcripts: intron variant (1).
Genome position (GRCh38, 1-based): chr11:2,884,668, A>T on the plus strand (T>A on the coding strand, the complement: CDKN1C is on the minus strand). VCF-style: chr11-2884668-A-T. GRCh37 (hg19) VCF-style: chr11-2905898-A-T.
Other names: c.255+534T>A (NM_001362475.2); c.787+2T>A (NM_001122631.2); c.820+2T>A (NM_001362474.2, NM_000076.2).
Identifiers: ClinVar variation 989317 (VCV000989317.4), dbSNP rs1554937698, ClinGen allele CA379145509.
Genomic context (GRCh38, chr11:2,884,668, plus strand): 5'-GGACCGGCCGGCCGGACAAAGCGGGGCCGGGCCGGGCCGGGGCGGGGCCGTGCGGGGCTC[A>T]CCGGAGATCAGAGGCCCGGACAGCTTCTTGATCGCCGCGCCGTTGGCGCTGGCGGCCGCG-3'